The following is an entry in ClinVar:

ClinVar aggregate classification (germline): Pathogenic. Review status: criteria provided, multiple submitters, no conflicts (2 of 4 stars). 7 submissions from 7 submitters: Pathogenic (6). 1 of the submissions does not count toward it. Last evaluated 2025-01-22.

Conditions:
Congenital hypothyroidism. Identifiers: Orphanet 442, MedGen C0010308, MONDO:0018612, HP:0000851.
Deficiency of iodide peroxidase (TDH2A). Also called: THYROID HORMONOGENESIS, GENETIC DEFECT IN, 2A; THYROID PEROXIDASE DEFICIENCY; HYPOTHYROIDISM, CONGENITAL, DUE TO DYSHORMONOGENESIS, 2A; IODIDE PEROXIDASE DEFICIENCY; Thyroid dyshormonogenesis 2A. Identifiers: Orphanet 95716, MedGen C1291299, MONDO:0010133, OMIM 274500.

Allele frequency attached by ClinVar (database versions not stated): gnomAD 0.00004; gnomAD exomes 0.00002 and 0.00012; TOPMed 0.00003; ExAC 0.00011.

Submissions (7):

GeneDx
Classification: Pathogenic. Last evaluated: 2025-01-22. Review status: criteria provided, single submitter. Criteria: GeneDx Variant Classification Process June 2021. Collection method: clinical testing. Allele origin: germline. Affected: yes.
Comment: Published functional studies demonstrate the formation of both normal and alternatively spliced TPO transcripts as well as significantly reduced protein expression (PMID: 24745015); Nonsense variant predicted to result in protein truncation or nonsense mediated decay in a gene for which loss of function is a known mechanism of disease; This variant is associated with the following publications: (PMID: 28648508, 34200080, 23329183, 25564141, 24745015, 12213873, 26406404, 34276565, 32319661, 38105685, 36884306, 37390946, 32088313)

Cambridge Genomics Laboratory, East Genomic Laboratory Hub, NHS Genomic Medicine Service
Classification: Pathogenic for Congenital hypothyroidism. Last evaluated: 2024-11-13. Review status: criteria provided, single submitter. Criteria: ACGS Best Practice Guidelines for Variant Classification in Rare Disease 2020. Collection method: clinical testing. Allele origin: germline. Affected: yes.
Comment: PVS1,PM2

Labcorp Genetics (formerly Invitae), Labcorp
Classification: Pathogenic. Last evaluated: 2024-03-19. Review status: criteria provided, single submitter. Criteria: Invitae Variant Classification Sherloc (09022015). Collection method: clinical testing. Allele origin: germline.
Comment: This sequence change creates a premature translational stop signal (p.Glu757*) in the TPO gene. It is expected to result in an absent or disrupted protein product. Loss-of-function variants in TPO are known to be pathogenic (PMID: 11061528, 23236987, 25564141). This variant is present in population databases (rs770781635, gnomAD 0.2%). This premature translational stop signal has been observed in individual(s) with clinical features of thyroid dyshormonogenesis (PMID: 23329183, 25564141, 32088313). ClinVar contains an entry for this variant (Variation ID: 4050). For these reasons, this variant has been classified as Pathogenic.

Fulgent Genetics
Classification: Pathogenic for Deficiency of iodide peroxidase. Last evaluated: 2023-12-28. Review status: criteria provided, single submitter. Criteria: ACMG Guidelines, 2015. Collection method: clinical testing. Allele origin: germline.

3billion
Classification: Pathogenic for Deficiency of iodide peroxidase. Last evaluated: 2022-09-01. Review status: criteria provided, single submitter. Criteria: ACMG Guidelines, 2015. Collection method: clinical testing. Allele origin: germline. Affected: yes. Observed: 1 homozygote.
Comment: The variant is observed at an extremely low frequency in the gnomAD v2.1.1 dataset (total allele frequency: 0.012%). Frameshift variant is predicted to result in a loss or disruption of normal protein function through nonsense-mediated decay (NMD) or protein truncation. Multiple pathogenic variants are reported downstream of the variant. The variant has been reported to be associated with TPO-related disorder (ClinVar ID: VCV000004050 / PMID: 12213873). Therefore, this variant is classified as Pathogenic according to the recommendation of ACMG/AMP guideline.

Juno Genomics, Hangzhou Juno Genomics, Inc
Classification: Pathogenic for Deficiency of iodide peroxidase. Review status: criteria provided, single submitter. Criteria: ACMG Guidelines, 2015. Collection method: clinical testing. Allele origin: germline.
Comment: Null variant in a gene where loss of function (LOF) is a known mechanism of disease.;For recessive disorders, detected in trans with a pathogenic variant.;Co-segregation with disease in multiple affected family members.

OMIM
Classification: Pathogenic for THYROID DYSHORMONOGENESIS 2A. Last evaluated: 2002-09-01. Review status: no assertion criteria provided. Collection method: literature only. Allele origin: germline. Not counted in ClinVar's aggregate classification.

Literature cited by the submitters: PubMed 11061528 (cited by Labcorp Genetics (formerly Invitae), Labcorp); PubMed 23236987 (cited by Labcorp Genetics (formerly Invitae), Labcorp); PubMed 25564141 (cited by Labcorp Genetics (formerly Invitae), Labcorp); PubMed 23329183 (cited by Labcorp Genetics (formerly Invitae), Labcorp); PubMed 32088313 (cited by Labcorp Genetics (formerly Invitae), Labcorp); PubMed 12213873 (cited by 3billion and OMIM).

NM_001206744.2(TPO):c.2268dup (p.Glu757Ter)

Genes: LALTOP (lung cancer associated lncRNA targeting TOP2A; minus strand), TPO (thyroid peroxidase; plus strand). Cytogenetic location: 2p25.3.
Variant type: Duplication.
Coding change: c.2268dup on transcript NM_001206744.2 (MANE Select); coding-DNA position 2268, one base duplicated (T; older notation c.2268dupT).
Protein change: p.Glu757Ter; replaces glutamic acid 757 with a stop codon.
Molecular consequence: nonsense.
Genome position (GRCh38, 1-based): chr2:1,496,647, T duplicated. VCF-style (leftmost placement, unchanged base first): chr2-1496646-G-GT. GRCh37 (hg19) VCF-style: chr2-1500418-G-GT.
Other names: c.2268dupT (NM_000547.5); c.2268dup, p.Glu757Ter (NM_000547.6, NM_175721.3); c.2097dup, p.Glu700Ter (NM_001206745.2, NM_175719.4); c.1749dup, p.Glu584Ter (NM_175722.3); c.2268dup (NM_000547.5); short protein forms E757*, E700*, E584*.
Identifiers: ClinVar variation 4050 (VCV000004050.14), dbSNP rs770781635, ClinGen allele CA1512024.